The following is an entry in ClinVar:

ClinVar aggregate classification (germline): Uncertain significance. Review status: criteria provided, multiple submitters, no conflicts (2 of 4 stars). 3 submissions from 3 submitters: Uncertain significance (3). Last evaluated 2025-03-28.

Conditions:
Hereditary cancer-predisposing syndrome. Also called: Hereditary Cancer Syndrome; Hereditary neoplastic syndrome; Tumor predisposition; Neoplastic Syndromes, Hereditary. Identifiers: Orphanet 140162, MedGen C0027672, MeSH D009386, MONDO:0015356.
Retinoblastoma (RB1). Also called: RETINOBLASTOMA, SOMATIC. Identifiers: Orphanet 790, MedGen C0035335, MeSH D012175, MONDO:0008380, OMIM 180200, HP:0009919. Disease mechanism: loss of function. Inheritance: Both sporadic and heritable forms are tested..

Allele frequency attached by ClinVar (database versions not stated): TOPMed 0.00001.

Submissions (3):

GeneDx
Classification: Uncertain significance. Last evaluated: 2025-03-28. Review status: criteria provided, single submitter. Criteria: GeneDx Variant Classification Process June 2021. Collection method: clinical testing. Allele origin: germline. Affected: yes.
Comment: Not observed at significant frequency in large population cohorts (gnomAD); In silico analysis supports that this missense variant has a deleterious effect on protein structure/function; Has not been previously published as pathogenic or benign to our knowledge; This variant is associated with the following publications: (PMID: 23516486)

Ambry Genetics
Classification: Uncertain significance for Hereditary cancer-predisposing syndrome. Last evaluated: 2024-09-24. Review status: criteria provided, single submitter. Criteria: Ambry Variant Classification Scheme 2023. Collection method: clinical testing. Allele origin: germline.
Comment: The p.P789H variant (also known as c.2366C>A), located in coding exon 23 of the RB1 gene, results from a C to A substitution at nucleotide position 2366. The proline at codon 789 is replaced by histidine, an amino acid with similar properties. This amino acid position is highly conserved in available vertebrate species. In addition, the in silico prediction for this alteration is inconclusive. Based on the available evidence, the clinical significance of this variant remains unclear.

Labcorp Genetics (formerly Invitae), Labcorp
Classification: Uncertain significance for Retinoblastoma. Last evaluated: 2023-04-28. Review status: criteria provided, single submitter. Criteria: Invitae Variant Classification Sherloc (09022015). Collection method: clinical testing. Allele origin: germline.
Comment: This variant has not been reported in the literature in individuals affected with RB1-related conditions. This variant is not present in population databases (gnomAD no frequency). This sequence change replaces proline, which is neutral and non-polar, with histidine, which is basic and polar, at codon 789 of the RB1 protein (p.Pro789His). ClinVar contains an entry for this variant (Variation ID: 1790215). In summary, the available evidence is currently insufficient to determine the role of this variant in disease. Therefore, it has been classified as a Variant of Uncertain Significance. Advanced modeling of protein sequence and biophysical properties (such as structural, functional, and spatial information, amino acid conservation, physicochemical variation, residue mobility, and thermodynamic stability) has been performed at Invitae for this missense variant, however the output from this modeling did not meet the statistical confidence thresholds required to predict the impact of this variant on RB1 protein function.

NM_000321.3(RB1):c.2366C>A (p.Pro789His)

Gene: RB1 (RB transcriptional corepressor 1; plus strand). Cytogenetic location: 13q14.2.
Variant type: single nucleotide variant.
Coding change: c.2366C>A on transcript NM_000321.3 (MANE Select); coding-DNA position 2366, C replaced by A.
Protein change: p.Pro789His; replaces proline 789 with histidine.
Molecular consequence: missense variant.
Genome position (GRCh38, 1-based): chr13:48,465,245, C>A. VCF-style: chr13-48465245-C-A. GRCh37 (hg19) VCF-style: chr13-49039381-C-A.
Other names: c.2366C>A, p.Pro789His (NM_001407165.1); short protein forms P789H.
Identifiers: ClinVar variation 1790215 (VCV001790215.7), dbSNP rs1467492987, ClinGen allele CA388167829.